The following is an entry in ClinVar:

NM_003482.4(KMT2D):c.6986_6987insT (p.Leu2331fs)

Gene: KMT2D (lysine methyltransferase 2D; minus strand). Cytogenetic location: 12q13.12.
Variant type: Insertion.
Coding change: c.6986_6987insT on transcript NM_003482.4 (MANE Select); coding-DNA positions 6986 to 6987, T inserted.
Protein change: p.Leu2331fs; shifts the reading frame from leucine 2331.
Molecular consequence: frameshift variant.
Genome position: GRCh38 VCF-style: chr12-49040783-G-GA. GRCh37 (hg19) VCF-style: chr12-49434566-G-GA.
Other names: short protein forms L2331fs.
Identifiers: ClinVar variation 1430324 (VCV001430324.6), dbSNP rs2120534874, ClinGen allele CA479711817.

ClinVar aggregate classification (germline): Pathogenic (1 of 4 stars; one submission).

Conditions:
Kabuki syndrome. Also called: NIIKAWA-KUROKI SYNDROME; Kabuki make-up syndrome. Identifiers: Orphanet 2322, MedGen C0796004, MONDO:0016512.

Submission:

Labcorp Genetics (formerly Invitae), Labcorp
Classification: Pathogenic for Kabuki syndrome. Last evaluated: 2021-07-22. Review status: criteria provided, single submitter. Criteria: Invitae Variant Classification Sherloc (09022015). Collection method: clinical testing. Allele origin: germline.
Comment: This sequence change creates a premature translational stop signal (p.Leu2331Profs*46) in the KMT2D gene. It is expected to result in an absent or disrupted protein product. Loss-of-function variants in KMT2D are known to be pathogenic (PMID: 22126750). This variant is not present in population databases (ExAC no frequency). This variant has not been reported in the literature in individuals with KMT2D-related conditions. For these reasons, this variant has been classified as Pathogenic.

Literature cited by the submitters: PubMed 22126750.